The following is an entry in ClinVar:

ClinVar aggregate classification (germline): Conflicting classifications of pathogenicity. Review status: criteria provided, conflicting classifications (1 of 4 stars). 9 submissions from 9 submitters: Uncertain significance (3); Benign (1); Likely benign (3). 2 of the submissions do not count toward it. Last evaluated 2026-01-28.

Conditions:
SEPN1-related disorder. Also called: SEPN1-Related Disorders. Identifiers: MedGen CN239420.
Inborn genetic diseases. Identifiers: MedGen C0950123, MeSH D030342.
SELENON-related disorder. Also called: SELENON-related condition.
Eichsfeld type congenital muscular dystrophy (CMYO3). Also called: MYOPATHY, SEPN1-RELATED; SELENON-related myopathy; Congenital myopathy 3 with rigid spine; Rigid spine muscular dystrophy 1. Identifiers: MedGen C0410180, MONDO:0100100, OMIM 602771.

Allele frequency attached by ClinVar (database versions not stated): gnomAD 0.00240; ESP Exome Variant Server 0.00255; TOPMed 0.00319; 1000 Genomes Project 30x 0.00328; 1000 Genomes Project 0.00359.
gnomAD v4.1: 791 of 1,613,288 alleles (0.049%); highest among the groups gnomAD compares: African/African-American, 0.92%; 2 homozygotes.

Submissions (9):

Labcorp Genetics (formerly Invitae), Labcorp
Classification: Benign for Eichsfeld type congenital muscular dystrophy. Last evaluated: 2026-01-28. Review status: criteria provided, single submitter. Criteria: Invitae Variant Classification Sherloc (09022015). Collection method: clinical testing. Allele origin: germline.

Ambry Genetics
Classification: Uncertain significance for Inborn genetic diseases. Last evaluated: 2025-11-13. Review status: criteria provided, single submitter. Criteria: Ambry Variant Classification Scheme 2023. Collection method: clinical testing. Allele origin: germline.

Mayo Clinic Laboratories, Mayo Clinic
Classification: Uncertain significance. Last evaluated: 2025-02-05. Review status: criteria provided, single submitter. Criteria: ACMG Guidelines, 2015. Collection method: clinical testing. Allele origin: germline. Observed: 1 variant allele.
Comment: BS1, PP3

Blueprint Genetics
Classification: Uncertain significance. Last evaluated: 2024-06-04. Review status: criteria provided, single submitter. Criteria: ACMG Guidelines, 2015. Collection method: clinical testing. Allele origin: germline.

GeneDx
Classification: Likely benign. Last evaluated: 2020-08-26. Review status: criteria provided, single submitter. Criteria: GeneDx Variant Classification Process June 2021. Collection method: clinical testing. Allele origin: germline. Affected: yes.

Illumina Laboratory Services, Illumina
Classification: Likely benign for SEPN1-Related Disorders. Last evaluated: 2018-01-13. Review status: criteria provided, single submitter. Criteria: ICSL Variant Classification Criteria 13 December 2019. Collection method: clinical testing. Allele origin: germline.
Comment: This variant was observed in the ICSL laboratory as part of a predisposition screen in an ostensibly healthy population. It had not been previously curated by ICSL or reported in the Human Gene Mutation Database (HGMD: prior to June 1st, 2018), and was therefore a candidate for classification through an automated scoring system. Utilizing variant allele frequency, disease prevalence and penetrance estimates, and inheritance mode, an automated score was calculated to assess if this variant is too frequent to cause the disease. Based on the score and internal cut-off values, a variant classified as likely benign is not then subjected to further curation. The score for this variant resulted in a classification of likely benign for this disease.

Breakthrough Genomics
Classification: Likely benign. Review status: criteria provided, single submitter. Criteria: ACMG Guidelines, 2015. Collection method: not provided. Allele origin: germline. Inheritance: Autosomal recessive inheritance. Affected: yes.

PreventionGenetics, part of Exact Sciences
Classification: Benign for SELENON-related condition. Last evaluated: 2021-04-14. Review status: no assertion criteria provided. Collection method: clinical testing. Allele origin: germline. Not counted in ClinVar's aggregate classification.
Comment: This variant is classified as benign based on ACMG/AMP sequence variant interpretation guidelines (Richards et al. 2015 PMID: 25741868, with internal and published modifications).

Biochemical Molecular Genetic Laboratory, King Abdulaziz Medical City
Classification: Uncertain significance for Eichsfeld type congenital muscular dystrophy. Last evaluated: 2018-05-09. Review status: no assertion criteria provided. Collection method: clinical testing. Allele origin: germline. Affected: yes. Not counted in ClinVar's aggregate classification.

NM_206926.2(SELENON):c.448G>C (p.Ala150Pro)

Gene: SELENON (selenoprotein N; plus strand). Cytogenetic location: 1p36.11.
Variant type: single nucleotide variant.
Coding change: c.448G>C on transcript NM_206926.2 (MANE Select); coding-DNA position 448, G replaced by C.
Protein change: p.Ala150Pro; replaces alanine 150 with proline.
Molecular consequence: missense variant.
Genome position (GRCh38, 1-based): chr1:25,808,592, G>C. VCF-style: chr1-25808592-G-C. GRCh37 (hg19) VCF-style: chr1-26135083-G-C.
Other names: p.Ala184Pro; c.550G>C, p.Ala184Pro (NM_020451.3); short protein forms A184P, A150P.
Identifiers: ClinVar variation 297024 (VCV000297024.29), dbSNP rs199742668, ClinGen allele CA696560.
Genomic context (GRCh38, chr1:25,808,592, plus strand): 5'-CGGAGTCAGGTTCTCAGATTCCTGGAGCTTTGCTTTCCCCCGCCCCAGGTCTCCCGCCTC[G>C]CCCTGTCCGGCCTCCGAAACTGGACAGCCGCCGCCTCACCAAGTGCAGTGTTTGCCACCC-3'
Protein context (NP_996809.1, residues 140-160): KDGFLGVSRL[Ala150Pro]LSGLRNWTAA